The following is an entry in ClinVar:

NM_000260.4(MYO7A):c.272del (p.Asp91fs)

Gene: MYO7A (myosin VIIA; plus strand). Cytogenetic location: 11q13.5.
Variant type: Deletion.
Coding change: c.272del on transcript NM_000260.4 (MANE Select); coding-DNA position 272, one base deleted (A; older notation c.272delA).
Protein change: p.Asp91fs; shifts the reading frame from aspartic acid 91.
Molecular consequence: frameshift variant.
Genome position (GRCh38, 1-based): chr11:77,147,937, A deleted. VCF-style (leftmost placement, unchanged base first): chr11-77147936-GA-G. GRCh37 (hg19) VCF-style: chr11-76858982-GA-G.
Other names: c.272del, p.Asp91fs (NM_001127180.2); c.239del, p.Asp80fs (NM_001369365.1); short protein forms D80fs, D91fs.
Identifiers: ClinVar variation 3237173 (VCV003237173.3), dbSNP rs2496578500.

ClinVar aggregate classification (germline): Likely pathogenic. Review status: criteria provided, single submitter (1 of 4 stars). 2 submissions from 2 submitters: Likely pathogenic (1). 1 of the submissions does not count toward it. Last evaluated 2024-05-30.

Conditions:
Retinal dystrophy. Also called: Inherited retinal dystrophy. Identifiers: Orphanet 71862, MedGen C0854723, MeSH D058499, MONDO:0019118, HP:0000556.
Usher syndrome type 1 (USH1). Also called: RETINITIS PIGMENTOSA AND CONGENITAL DEAFNESS. Identifiers: Orphanet 231169, Orphanet 886, MedGen C1568247, MONDO:0010168, OMIM 276900.

Submissions (2):

Institute of Human Genetics, University of Goettingen
Classification: Likely pathogenic for Usher syndrome type 1. Last evaluated: 2024-05-30. Review status: criteria provided, single submitter. Criteria: ACMG Guidelines, 2015. Collection method: clinical testing. Allele origin: paternal. Inheritance: Autosomal recessive inheritance. Affected: yes. Observed: 1 compound heterozygote.
Comment: PVS1, PM2, PM3_sup

Institute of Human Genetics, Univ. Regensburg, Univ. Regensburg
Classification: Pathogenic for Retinal dystrophy. Last evaluated: 2022-01-01. Review status: no assertion criteria provided. Criteria: ACMG Guidelines, 2015. Collection method: clinical testing. Allele origin: germline. Affected: yes. Not counted in ClinVar's aggregate classification.